The following is an entry in ClinVar:

ClinVar aggregate classification (germline): Likely benign (1 of 4 stars; one submission).

Conditions:
Hypomaturation-hypoplastic amelogenesis imperfecta with taurodontism. Also called: Amelogenesis imperfecta, type IV. Identifiers: Orphanet 100034, Orphanet 88661, MedGen C1863012, MONDO:0007093, OMIM 104510. Disease mechanism: loss of function.

Allele frequency attached by ClinVar (database versions not stated): gnomAD 0.00014 and 0.00021; TOPMed 0.00023; 1000 Genomes Project 30x 0.00109; 1000 Genomes Project 0.00120.

Submission:

Illumina Laboratory Services, Illumina
Classification: Likely benign for Hypomaturation-hypoplastic amelogenesis imperfecta with taurodontism. Last evaluated: 2018-01-13. Review status: criteria provided, single submitter. Criteria: ICSL Variant Classification Criteria 13 December 2019. Collection method: clinical testing. Allele origin: germline.
Comment: This variant was observed in the ICSL laboratory as part of a predisposition screen in an ostensibly healthy population. It had not been previously curated by ICSL or reported in the Human Gene Mutation Database (HGMD: prior to June 1st, 2018), and was therefore a candidate for classification through an automated scoring system. Utilizing variant allele frequency, disease prevalence and penetrance estimates, and inheritance mode, an automated score was calculated to assess if this variant is too frequent to cause the disease. Based on the score and internal cut-off values, a variant classified as likely benign is not then subjected to further curation. The score for this variant resulted in a classification of likely benign for this disease.

NM_005220.3(DLX3):c.*1328T>G

Gene: DLX3 (distal-less homeobox 3; minus strand). Cytogenetic location: 17q21.33.
Variant type: single nucleotide variant.
Coding change: c.*1328T>G on transcript NM_005220.3 (MANE Select); 1328 bases downstream of the stop codon, T replaced by G.
Molecular consequence: 3 prime UTR variant.
Genome position (GRCh38, 1-based): chr17:49,990,189, A>C on the plus strand (T>G on the coding strand, the complement: DLX3 is on the minus strand). VCF-style: chr17-49990189-A-C. GRCh37 (hg19) VCF-style: chr17-48067553-A-C.
Identifiers: ClinVar variation 324000 (VCV000324000.5), dbSNP rs568427405, ClinGen allele CA10646130.
Genomic context (GRCh38, chr17:49,990,189, plus strand): 5'-ACCTACCACGTCTCTCTTGGCCCCTGCACCTCCCACAAAACCCAAATCCAGCCGGAGCCC[A>C]CATCTCTCAGCTTGAAACACACAGGGAGATCCGTCCAGGAGGAACATGGCCACATAAATA-3'